The following is an entry in ClinVar:

ClinVar aggregate classification (germline): Uncertain significance (1 of 4 stars; one submission).

Conditions:
Familial intrahepatic cholestasis. Identifiers: Orphanet 284385, MedGen CN296401, MONDO:0017290.

Submission:

Genomenon, Inc
Classification: Uncertain significance for Familial intrahepatic cholestasis. Last evaluated: 2026-04-14. Review status: criteria provided, single submitter. Criteria: Genomenon Sequence Variant Interpretation Standards - Updated. Collection method: curation. Allele origin: germline. Affected: yes.
Comment: ABCB4 p.Gly988Glu (c.2963G>A) is a missense variant that changes the amino acid at residue 988 from Glycine to Glutamic acid. This variant has been observed in at least one proband with an ABCB4-related disorder (PMID:38343606). It is absent or not present at a significant frequency in gnomAD. In silico models predict that this variant is possibly or probably damaging. In conclusion, we classify ABCB4 p.Gly988Glu (c.2963G>A) as a variant of uncertain significance.

Literature cited by the submitters: PubMed 38343606.

NM_000443.4(ABCB4):c.2963G>A (p.Gly988Glu)

Gene: ABCB4 (ATP binding cassette subfamily B member 4; minus strand). Cytogenetic location: 7q21.12.
Variant type: single nucleotide variant.
Coding change: c.2963G>A on transcript NM_000443.4 (MANE Select); coding-DNA position 2963, G replaced by A.
Protein change: p.Gly988Glu; replaces glycine 988 with glutamic acid.
Molecular consequence: missense variant.
Genome position (GRCh38, 1-based): chr7:87,409,354, C>T on the plus strand (G>A on the coding strand, the complement: ABCB4 is on the minus strand). VCF-style: chr7-87409354-C-T. GRCh37 (hg19) VCF-style: chr7-87038670-C-T.
Other names: c.2963G>A, p.Gly988Glu (NM_018849.3); c.2822G>A, p.Gly941Glu (NM_018850.3); short protein forms G941E, G988E.
Identifiers: ClinVar variation 4846486 (VCV004846486.1).